The following is an entry in ClinVar:

ClinVar aggregate classification (germline): Benign/Likely benign. Review status: criteria provided, multiple submitters, no conflicts (2 of 4 stars). 7 submissions from 7 submitters: Benign (1); Likely benign (6). Last evaluated 2025-12-22.

Conditions:
Hereditary cancer-predisposing syndrome. Also called: Neoplastic Syndromes, Hereditary; Tumor predisposition; Hereditary neoplastic syndrome; Hereditary Cancer Syndrome. Identifiers: Orphanet 140162, MedGen C0027672, MeSH D009386, MONDO:0015356.
Hereditary diffuse gastric adenocarcinoma (HDGC). Also called: DIFFUSE GASTRIC AND LOBULAR BREAST CANCER SYNDROME. Identifiers: Orphanet 26106, MedGen C1708349, MONDO:0007648, OMIM 137215.

Allele frequency attached by ClinVar (database versions not stated): gnomAD 0.00001; gnomAD exomes 0.00003 and 0.00004; ExAC 0.00004.
gnomAD v4.1: 40 of 1,614,050 alleles (0.0025%); highest among the groups gnomAD compares: South Asian, 0.044%; no homozygotes.

Submissions (7):

Labcorp Genetics (formerly Invitae), Labcorp
Classification: Likely benign for Hereditary diffuse gastric adenocarcinoma. Last evaluated: 2025-12-22. Review status: criteria provided, single submitter. Criteria: Invitae Variant Classification Sherloc (09022015). Collection method: clinical testing. Allele origin: germline.

Center for Genomic Medicine, Rigshospitalet, Copenhagen University Hospital
Classification: Likely benign. Last evaluated: 2025-03-04. Review status: criteria provided, single submitter. Criteria: ACMG Guidelines, 2015. Collection method: clinical testing. Allele origin: germline.

Myriad Genetics, Inc.
Classification: Benign for Hereditary diffuse gastric adenocarcinoma. Last evaluated: 2024-09-17. Review status: criteria provided, single submitter. Criteria: Myriad Autosomal Dominant, Autosomal Recessive and X-Linked Classification Criteria (2023). Collection method: clinical testing. Allele origin: unknown.
Comment: This variant is considered benign. This variant is a silent/synonymous amino acid change and it is not expected to impact splicing.

GeneDx
Classification: Likely benign. Last evaluated: 2017-04-27. Review status: criteria provided, single submitter. Criteria: GeneDx Variant Classification (06012015). Collection method: clinical testing. Allele origin: germline. Affected: yes.
Comment: This variant is considered likely benign or benign based on one or more of the following criteria: it is a conservative change, it occurs at a poorly conserved position in the protein, it is predicted to be benign by multiple in silico algorithms, and/or has population frequency not consistent with disease.

Illumina Laboratory Services, Illumina
Classification: Likely benign for Hereditary diffuse gastric adenocarcinoma. Last evaluated: 2017-04-27. Review status: criteria provided, single submitter. Criteria: ICSL Variant Classification Criteria 13 December 2019. Collection method: clinical testing. Allele origin: germline.
Comment: This variant was observed as part of a predisposition screen in an ostensibly healthy population. A literature search was performed for the gene, cDNA change, and amino acid change (where applicable). No publications were found based on this search. Allele frequency data from public databases allowed determination this variant is unlikely to cause disease. Therefore, this variant is classified as likely benign.

Ambry Genetics
Classification: Likely benign for Hereditary cancer-predisposing syndrome. Last evaluated: 2016-03-01. Review status: criteria provided, single submitter. Criteria: Ambry Variant Classification Scheme 2023. Collection method: clinical testing. Allele origin: germline.

Color Diagnostics, LLC DBA Color Health
Classification: Likely benign for Hereditary cancer-predisposing syndrome. Last evaluated: 2015-08-20. Review status: criteria provided, single submitter. Criteria: ACMG Guidelines, 2015. Collection method: clinical testing. Allele origin: germline.

NM_004360.5(CDH1):c.1023T>C (p.Tyr341=)

Gene: CDH1 (cadherin 1; plus strand). Cytogenetic location: 16q22.1.
Variant type: single nucleotide variant.
Coding change: c.1023T>C on transcript NM_004360.5 (MANE Select); coding-DNA position 1023, T replaced by C.
Protein change: p.Tyr341=; no amino-acid change (tyrosine 341 retained).
Molecular consequence: synonymous variant. On other transcripts: 5 prime UTR variant (2).
Genome position (GRCh38, 1-based): chr16:68,812,149, T>C. VCF-style: chr16-68812149-T-C. GRCh37 (hg19) VCF-style: chr16-68846052-T-C.
Other names: c.1023T>C (LRG_301t1); c.1023T>C, p.Tyr341= (NM_001317184.2); c.-593T>C (NM_001317185.2); c.-797T>C (NM_001317186.2).
Identifiers: ClinVar variation 239874 (VCV000239874.22), dbSNP rs587776398, ClinGen allele CA8129989.